The following is an entry in ClinVar:

ClinVar aggregate classification (germline): Uncertain significance. Review status: criteria provided, multiple submitters, no conflicts (2 of 4 stars). 2 submissions from 2 submitters: Uncertain significance (2). Last evaluated 2025-06-19.

Conditions:
Hereditary cancer-predisposing syndrome. Also called: Tumor predisposition; Hereditary neoplastic syndrome; Hereditary Cancer Syndrome; Neoplastic Syndromes, Hereditary. Identifiers: Orphanet 140162, MedGen C0027672, MeSH D009386, MONDO:0015356.

Submissions (2):

Labcorp Genetics (formerly Invitae), Labcorp
Classification: Uncertain significance. Last evaluated: 2025-06-19. Review status: criteria provided, single submitter. Criteria: Invitae Variant Classification Sherloc (09022015). Collection method: clinical testing. Allele origin: germline.
Comment: This sequence change replaces arginine, which is basic and polar, with lysine, which is basic and polar, at codon 653 of the CTNNA1 protein (p.Arg653Lys). This variant is not present in population databases (gnomAD no frequency). This variant has not been reported in the literature in individuals affected with CTNNA1-related conditions. ClinVar contains an entry for this variant (Variation ID: 3221893). Invitae Evidence Modeling of protein sequence and biophysical properties (such as structural, functional, and spatial information, amino acid conservation, physicochemical variation, residue mobility, and thermodynamic stability) indicates that this missense variant is not expected to disrupt CTNNA1 protein function with a negative predictive value of 80%. In summary, the available evidence is currently insufficient to determine the role of this variant in disease. Therefore, it has been classified as a Variant of Uncertain Significance.

Ambry Genetics
Classification: Uncertain significance for Hereditary cancer-predisposing syndrome. Last evaluated: 2023-10-19. Review status: criteria provided, single submitter. Criteria: Ambry Variant Classification Scheme 2023. Collection method: clinical testing. Allele origin: germline.
Comment: The p.R653K variant (also known as c.1958G>A), located in coding exon 13 of the CTNNA1 gene, results from a G to A substitution at nucleotide position 1958. The arginine at codon 653 is replaced by lysine, an amino acid with highly similar properties. This amino acid position is conserved. In addition, this alteration is predicted to be tolerated by in silico analysis. Since supporting evidence is limited at this time, the clinical significance of this alteration remains unclear.

NM_001903.5(CTNNA1):c.1958G>A (p.Arg653Lys)

Gene: CTNNA1 (catenin alpha 1; plus strand). Cytogenetic location: 5q31.2.
Variant type: single nucleotide variant.
Coding change: c.1958G>A on transcript NM_001903.5 (MANE Select); coding-DNA position 1958, G replaced by A.
Protein change: p.Arg653Lys; replaces arginine 653 with lysine.
Molecular consequence: missense variant.
Genome position (GRCh38, 1-based): chr5:138,929,304, G>A. VCF-style: chr5-138929304-G-A. GRCh37 (hg19) VCF-style: chr5-138264993-G-A.
Other names: c.1958G>A, p.Arg653Lys (NM_001290307.3, NM_001323982.2, NM_001323983.1 and 2 more transcripts); c.1649G>A, p.Arg550Lys (NM_001290309.3); c.1589G>A, p.Arg530Lys (NM_001290310.3); c.848G>A, p.Arg283Lys (NM_001290312.1, NM_001323987.1, NM_001323988.1 and 17 more transcripts); c.1865G>A, p.Arg622Lys (NM_001323986.2); c.509G>A, p.Arg170Lys (NM_001324006.1, NM_001324007.1, NM_001324008.1 and 2 more transcripts); c.755G>A, p.Arg252Lys (NM_001324011.1); c.605G>A, p.Arg202Lys (NM_001324012.1, NM_001324013.1); short protein forms R170K, R202K, R252K, R283K, R530K, R550K, R622K, R653K.
Identifiers: ClinVar variation 3221893 (VCV003221893.2), dbSNP rs1764802060, ClinGen allele CA361132805.